The following is an entry in ClinVar:

NM_024675.4(PALB2):c.2284C>T (p.His762Tyr)

Gene: PALB2 (partner and localizer of BRCA2; minus strand). Cytogenetic location: 16p12.2.
Variant type: single nucleotide variant.
Coding change: c.2284C>T on transcript NM_024675.4 (MANE Select); coding-DNA position 2284, C replaced by T.
Protein change: p.His762Tyr; replaces histidine 762 with tyrosine.
Molecular consequence: missense variant. On other transcripts: intron variant (1).
Genome position (GRCh38, 1-based): chr16:23,629,870, G>A on the plus strand (C>T on the coding strand, the complement: PALB2 is on the minus strand). VCF-style: chr16-23629870-G-A. GRCh37 (hg19) VCF-style: chr16-23641191-G-A.
Other names: c.2224C>T, p.His742Tyr (NM_001407296.1); c.2284C>T, p.His762Tyr (NM_001407297.1, NM_001407298.1, NM_001407299.1 and 3 more transcripts); c.1399C>T, p.His467Tyr (NM_001407310.1, NM_001407311.1, NM_001407304.1 and 5 more transcripts); c.496C>T, p.His166Tyr (NM_001407312.1, NM_001407313.1); c.49-595C>T (NM_001407314.1); short protein forms H166Y, H467Y, H742Y, H762Y.
Identifiers: ClinVar variation 2727965 (VCV002727965.4), dbSNP rs2142376472, ClinGen allele CA395125344.

ClinVar aggregate classification (germline): Uncertain significance. Review status: criteria provided, multiple submitters, no conflicts (2 of 4 stars). 2 submissions from 2 submitters: Uncertain significance (2). Last evaluated 2026-05-18.

Conditions:
Hereditary cancer-predisposing syndrome. Also called: Tumor predisposition; Hereditary neoplastic syndrome; Neoplastic Syndromes, Hereditary; Hereditary Cancer Syndrome. Identifiers: Orphanet 140162, MedGen C0027672, MeSH D009386, MONDO:0015356.
Familial cancer of breast. Also called: hereditary breast carcinoma; Hereditary breast cancer; BREAST CANCER, FAMILIAL. Identifiers: Orphanet 227535, MedGen C0346153, MONDO:0016419, OMIM 114480. Disease mechanism: loss of function.

Submissions (2):

Ambry Genetics
Classification: Uncertain significance for Hereditary cancer-predisposing syndrome. Last evaluated: 2026-05-18. Review status: criteria provided, single submitter. Criteria: Ambry Variant Classification Scheme 2023. Collection method: clinical testing. Allele origin: germline.
Comment: The p.H762Y variant (also known as c.2284C>T), located in coding exon 5 of the PALB2 gene, results from a C to T substitution at nucleotide position 2284. The histidine at codon 762 is replaced by tyrosine, an amino acid with similar properties. This amino acid position is conserved. In addition, this alteration is predicted to be tolerated by in silico analysis. Based on the available evidence, the clinical significance of this variant remains unclear.

Labcorp Genetics (formerly Invitae), Labcorp
Classification: Uncertain significance for Familial cancer of breast. Last evaluated: 2023-06-24. Review status: criteria provided, single submitter. Criteria: Invitae Variant Classification Sherloc (09022015). Collection method: clinical testing. Allele origin: germline.
Comment: This sequence change replaces histidine, which is basic and polar, with tyrosine, which is neutral and polar, at codon 762 of the PALB2 protein (p.His762Tyr). In summary, the available evidence is currently insufficient to determine the role of this variant in disease. Therefore, it has been classified as a Variant of Uncertain Significance. Advanced modeling of protein sequence and biophysical properties (such as structural, functional, and spatial information, amino acid conservation, physicochemical variation, residue mobility, and thermodynamic stability) performed at Invitae indicates that this missense variant is not expected to disrupt PALB2 protein function. This variant has not been reported in the literature in individuals affected with PALB2-related conditions. This variant is not present in population databases (gnomAD no frequency).